The following is an entry in ClinVar:

NM_000080.4(CHRNE):c.689T>A (p.Val230Asp)

Genes: C17orf107 (chromosome 17 open reading frame 107; plus strand), CHRNE (cholinergic receptor nicotinic epsilon subunit; minus strand). Cytogenetic location: 17p13.2.
Variant type: single nucleotide variant.
Coding change: c.689T>A on transcript NM_000080.4 (MANE Select); coding-DNA position 689, T replaced by A.
Protein change: p.Val230Asp; replaces valine 230 with aspartic acid.
Molecular consequence: missense variant. On other transcripts: 3 prime UTR variant (1).
Genome position (GRCh38, 1-based): chr17:4,901,103, A>T on the plus strand (T>A on the coding strand, the complement: CHRNE is on the minus strand). VCF-style: chr17-4901103-A-T. GRCh37 (hg19) VCF-style: chr17-4804398-A-T.
Other names: c.*570A>T (NM_001145536.2); short protein forms V230D.
Identifiers: ClinVar variation 4845293 (VCV004845293.1).

ClinVar aggregate classification (germline): Likely pathogenic (1 of 4 stars; one submission).

Conditions:
Congenital myasthenic syndrome 4C (CMS4C). Also called: Myasthenic syndrome, congenital, associated with acetylcholine receptor deficiency. Identifiers: Orphanet 590, MedGen C1837091, MONDO:0012157, OMIM 608931.

Submission:

Pediatric Neurology, Ankara Etlik City Hospital, Health Sciences University
Classification: Likely pathogenic for Congenital myasthenic syndrome 4C. Last evaluated: 2026-04-14. Review status: criteria provided, single submitter. Criteria: ACMG Guidelines, 2015. Collection method: clinical testing. Allele origin: germline. Inheritance: Autosomal recessive inheritance. Affected: yes. Observed: 1 variant allele, 1 homozygote.
Comment: PM2 PP2 PP3